The following is an entry in ClinVar:

NM_006767.4(LZTR1):c.904G>A (p.Ala302Thr)

Gene: LZTR1 (leucine zipper like post translational regulator 1; plus strand). Cytogenetic location: 22q11.21.
Variant type: single nucleotide variant.
Coding change: c.904G>A on transcript NM_006767.4 (MANE Select); coding-DNA position 904, G replaced by A.
Protein change: p.Ala302Thr; replaces alanine 302 with threonine.
Molecular consequence: missense variant.
Genome position (GRCh38, 1-based): chr22:20,991,740, G>A. VCF-style: chr22-20991740-G-A. GRCh37 (hg19) VCF-style: chr22-21346029-G-A.
Other names: short protein forms A302T.
Identifiers: ClinVar variation 2447769 (VCV002447769.3), dbSNP rs1295719843, ClinGen allele CA410781387.

ClinVar aggregate classification (germline): Uncertain significance. Review status: criteria provided, multiple submitters, no conflicts (2 of 4 stars). 2 submissions from 2 submitters: Uncertain significance (2). Last evaluated 2025-02-27.

Conditions:
Cardiovascular phenotype. Identifiers: MedGen CN230736.
Hereditary cancer-predisposing syndrome. Also called: Neoplastic Syndromes, Hereditary; Hereditary Cancer Syndrome; Tumor predisposition; Hereditary neoplastic syndrome. Identifiers: Orphanet 140162, MedGen C0027672, MeSH D009386, MONDO:0015356.

Allele frequency attached by ClinVar (database versions not stated): gnomAD exomes below 0.00001.
gnomAD v4.1: 2 of 1,573,350 alleles (0.00013%); highest among the groups gnomAD compares: African/African-American, 0.0013%; no homozygotes.

Submissions (2):

Labcorp Genetics (formerly Invitae), Labcorp
Classification: Uncertain significance. Last evaluated: 2025-02-27. Review status: criteria provided, single submitter. Criteria: Invitae Variant Classification Sherloc (09022015). Collection method: clinical testing. Allele origin: germline.
Comment: This sequence change replaces alanine, which is neutral and non-polar, with threonine, which is neutral and polar, at codon 302 of the LZTR1 protein (p.Ala302Thr). This variant is not present in population databases (gnomAD no frequency). This variant has not been reported in the literature in individuals affected with LZTR1-related conditions. ClinVar contains an entry for this variant (Variation ID: 2447769). Invitae Evidence Modeling of protein sequence and biophysical properties (such as structural, functional, and spatial information, amino acid conservation, physicochemical variation, residue mobility, and thermodynamic stability) indicates that this missense variant is not expected to disrupt LZTR1 protein function with a negative predictive value of 80%. In summary, the available evidence is currently insufficient to determine the role of this variant in disease. Therefore, it has been classified as a Variant of Uncertain Significance.

Ambry Genetics
Classification: Uncertain significance for Cardiovascular phenotype; Hereditary cancer-predisposing syndrome. Last evaluated: 2023-03-03. Review status: criteria provided, single submitter. Criteria: Ambry Variant Classification Scheme 2023. Collection method: clinical testing. Allele origin: germline.
Comment: The p.A302T variant (also known as c.904G>A), located in coding exon 9 of the LZTR1 gene, results from a G to A substitution at nucleotide position 904. The alanine at codon 302 is replaced by threonine, an amino acid with similar properties. This amino acid position is conserved. In addition, the in silico prediction for this alteration is inconclusive. Since supporting evidence is limited at this time, the clinical significance of this alteration remains unclear.